The following is an entry in ClinVar:

ClinVar aggregate classification (germline): Uncertain significance. Review status: criteria provided, multiple submitters, no conflicts (2 of 4 stars). 2 submissions from 2 submitters: Uncertain significance (2). Last evaluated 2026-03-12.

Conditions:
X-linked dystonia-parkinsonism (DYT3). Also called: TORSION DYSTONIA-PARKINSONISM, FILIPINO TYPE; Lubag; DYT-TAF1. Identifiers: Orphanet 53351, MedGen C1839130, MONDO:0010747, OMIM 314250.

Submissions (2):

GeneDx
Classification: Uncertain significance. Last evaluated: 2026-03-12. Review status: criteria provided, single submitter. Criteria: GeneDx Variant Classification Process June 2021. Collection method: clinical testing. Allele origin: germline. Affected: yes.
Comment: Not observed at significant frequency in large population cohorts (gnomAD); In silico analysis supports that this missense variant has a deleterious effect on protein structure/function; In silico analysis is inconclusive as to whether the variant alters gene splicing. In the absence of RNA/functional studies, the actual effect of this sequence change is unknown.; Has not been previously published as pathogenic or benign to our knowledge

Genomic Medicine Center of Excellence, King Faisal Specialist Hospital and Research Centre
Classification: Uncertain significance for X-linked dystonia-parkinsonism. Last evaluated: 2024-04-04. Review status: criteria provided, single submitter. Criteria: ACMG Guidelines, 2015. Collection method: clinical testing. Allele origin: germline.

NM_004606.5(TAF1):c.2267A>G (p.His756Arg)

Gene: TAF1 (TATA-box binding protein associated factor 1; plus strand). Cytogenetic location: Xq13.1.
Variant type: single nucleotide variant.
Coding change: c.2267A>G on transcript NM_004606.5 (MANE Select); coding-DNA position 2267, A replaced by G.
Protein change: p.His756Arg; replaces histidine 756 with arginine.
Molecular consequence: missense variant. On other transcripts: non-coding transcript variant (9).
Genome position (GRCh38, 1-based): chrX:71,387,301, A>G. VCF-style: chrX-71387301-A-G. GRCh37 (hg19) VCF-style: chrX-70607151-A-G.
Other names: c.2204A>G, p.His735Arg (NM_138923.4); c.2267A>G, p.His756Arg (NM_001286074.2); c.2327A>G (NM_001286074.1); short protein forms H735R, H756R, H776R.
Identifiers: ClinVar variation 1704666 (VCV001704666.4), dbSNP rs2520281065, ClinGen allele CA413518276.